The following is an entry in ClinVar:

NM_000135.4(FANCA):c.445T>G (p.Leu149Val)

Gene: FANCA (FA complementation group A; minus strand). Cytogenetic location: 16q24.3.
Variant type: single nucleotide variant.
Coding change: c.445T>G on transcript NM_000135.4 (MANE Select); coding-DNA position 445, T replaced by G.
Protein change: p.Leu149Val; replaces leucine 149 with valine.
Molecular consequence: missense variant. On other transcripts: intron variant (1).
Genome position (GRCh38, 1-based): chr16:89,810,784, A>C on the plus strand (T>G on the coding strand, the complement: FANCA is on the minus strand). VCF-style: chr16-89810784-A-C. GRCh37 (hg19) VCF-style: chr16-89877192-A-C.
Other names: c.445T>G (NM_000135.3, LRG_495t1); c.445T>G, p.Leu149Val (NM_001018112.3, NM_001286167.3); c.426+145T>G (NM_001351830.2); short protein forms L149V.
Identifiers: ClinVar variation 526423 (VCV000526423.11), dbSNP rs372814783, ClinGen allele CA8252999.

ClinVar aggregate classification (germline): Uncertain significance. Review status: criteria provided, multiple submitters, no conflicts (2 of 4 stars). 5 submissions from 5 submitters: Uncertain significance (4). 1 of the submissions does not count toward it. Last evaluated 2024-02-14.

Conditions:
Fanconi anemia (FA). Also called: Fanconi's anemia. Identifiers: Orphanet 84, MedGen C0015625, MeSH D005199, MONDO:0019391.
Fanconi anemia complementation group A (FANCA). Also called: FANCA-Related Fanconi Anemia; Fanconi anemia, group A. Identifiers: Orphanet 84, MedGen C3469521, MONDO:0009215, OMIM 227650.

Allele frequency attached by ClinVar (database versions not stated): gnomAD exomes 0.00001 and 0.00002; ExAC 0.00002; TOPMed 0.00002; gnomAD 0.00004; ESP Exome Variant Server 0.00008.
gnomAD v4.1: 39 of 1,613,164 alleles (0.0024%); highest among the groups gnomAD compares: Non-Finnish European, 0.0031%; no homozygotes.

Submissions (5):

Fulgent Genetics
Classification: Uncertain significance for Fanconi anemia complementation group A. Last evaluated: 2024-02-14. Review status: criteria provided, single submitter. Criteria: ACMG Guidelines, 2015. Collection method: clinical testing. Allele origin: germline.

Quest Diagnostics Nichols Institute San Juan Capistrano
Classification: Uncertain significance. Last evaluated: 2023-05-15. Review status: criteria provided, single submitter. Criteria: Quest Diagnostics criteria. Collection method: clinical testing. Allele origin: unknown.
Comment: The frequency of this variant in the general population, 0.000023 (3/129198 chromosomes), is uninformative in assessment of its pathogenicity. In the published literature, the variant has been reported in an unaffected control individual in an ovarian cancer (OC) study (PMID: 32546565 (2021)). Analysis of this variant using bioinformatics tools for the prediction of the effect of amino acid changes on protein structure and function yielded predictions that this variant is benign. Based on the available information, we are unable to determine the clinical significance of this variant.

Labcorp Genetics (formerly Invitae), Labcorp
Classification: Uncertain significance for Fanconi anemia. Last evaluated: 2022-10-17. Review status: criteria provided, single submitter. Criteria: Invitae Variant Classification Sherloc (09022015). Collection method: clinical testing. Allele origin: germline.
Comment: This sequence change replaces leucine, which is neutral and non-polar, with valine, which is neutral and non-polar, at codon 149 of the FANCA protein (p.Leu149Val). This variant is present in population databases (rs372814783, gnomAD 0.004%). This variant has not been reported in the literature in individuals affected with FANCA-related conditions. ClinVar contains an entry for this variant (Variation ID: 526423). Advanced modeling of protein sequence and biophysical properties (such as structural, functional, and spatial information, amino acid conservation, physicochemical variation, residue mobility, and thermodynamic stability) performed at Invitae indicates that this missense variant is not expected to disrupt FANCA protein function. In summary, the available evidence is currently insufficient to determine the role of this variant in disease. Therefore, it has been classified as a Variant of Uncertain Significance.

Baylor Genetics
Classification: Uncertain significance for Fanconi anemia complementation group A. Last evaluated: 2020-05-13. Review status: criteria provided, single submitter. Criteria: ACMG Guidelines, 2015. Collection method: clinical testing. Allele origin: unknown. Affected: yes. Study: CSER-TexasKidsCanSeq.
Comment: This variant was determined to be of uncertain significance according to ACMG Guidelines, 2015 [PMID:25741868].

Natera, Inc.
Classification: Uncertain significance for Fanconi anemia. Last evaluated: 2021-04-14. Review status: no assertion criteria provided. Collection method: clinical testing. Allele origin: germline. Not counted in ClinVar's aggregate classification.

Literature cited by the submitters: PubMed 32546565 (cited by Quest Diagnostics Nichols Institute San Juan Capistrano).